The following is an entry in ClinVar:

ClinVar aggregate classification (germline): Uncertain significance (1 of 4 stars; one submission).

Conditions:
Hereditary cancer-predisposing syndrome. Also called: Tumor predisposition; Hereditary neoplastic syndrome; Neoplastic Syndromes, Hereditary; Hereditary Cancer Syndrome. Identifiers: Orphanet 140162, MedGen C0027672, MeSH D009386, MONDO:0015356.

Submission:

Ambry Genetics
Classification: Uncertain significance for Hereditary cancer-predisposing syndrome. Last evaluated: 2026-08-12. Review status: criteria provided, single submitter. Criteria: Ambry Variant Classification Scheme 2023. Collection method: clinical testing. Allele origin: germline.
Comment: The p.F134S variant (also known as c.401T>C), located in coding exon 2 of the MSH6 gene, results from a T to C substitution at nucleotide position 401. The phenylalanine at codon 134 is replaced by serine, an amino acid with highly dissimilar properties. This amino acid position is highly conserved in available vertebrate species. In addition, this alteration is predicted to be deleterious by in silico analysis. Based on the available evidence, the clinical significance of this variant remains unclear.

NM_000179.3(MSH6):c.401T>C (p.Phe134Ser)

Gene: MSH6 (mutS homolog 6; plus strand). Cytogenetic location: 2p16.3.
Variant type: single nucleotide variant.
Coding change: c.401T>C on transcript NM_000179.3 (MANE Select); coding-DNA position 401, T replaced by C.
Protein change: p.Phe134Ser; replaces phenylalanine 134 with serine.
Molecular consequence: missense variant. On other transcripts: 5 prime UTR variant (2), intron variant (1).
Genome position (GRCh38, 1-based): chr2:47,791,067, T>C. VCF-style: chr2-47791067-T-C. GRCh37 (hg19) VCF-style: chr2-48018206-T-C.
Other names: c.-336T>C (NM_001281493.2); c.-502T>C (NM_001281494.2); c.238-7544T>C (NM_001281492.2); short protein forms F134S.
Identifiers: ClinVar variation 824509 (VCV000824509.5), dbSNP rs1572708938, ClinGen allele CA346737089.